The following is an entry in ClinVar:

ClinVar aggregate classification (germline): Uncertain significance (1 of 4 stars; one submission).

gnomAD v4.1: 1 of 1,613,544 alleles (0.000062%); highest among the groups gnomAD compares: Non-Finnish European, 0.000085%; no homozygotes.

Submission:

Labcorp Genetics (formerly Invitae), Labcorp
Classification: Uncertain significance. Last evaluated: 2024-07-12. Review status: criteria provided, single submitter. Criteria: Invitae Variant Classification Sherloc (09022015). Collection method: clinical testing. Allele origin: germline.
Comment: This sequence change replaces proline, which is neutral and non-polar, with glutamine, which is neutral and polar, at codon 262 of the FLI1 protein (p.Pro262Gln). This variant is not present in population databases (gnomAD no frequency). This variant has not been reported in the literature in individuals affected with FLI1-related conditions. Advanced modeling of protein sequence and biophysical properties (such as structural, functional, and spatial information, amino acid conservation, physicochemical variation, residue mobility, and thermodynamic stability) performed at Invitae indicates that this missense variant is not expected to disrupt FLI1 protein function with a negative predictive value of 80%. In summary, the available evidence is currently insufficient to determine the role of this variant in disease. Therefore, it has been classified as a Variant of Uncertain Significance.

NM_002017.5(FLI1):c.785C>A (p.Pro262Gln)

Gene: FLI1 (Fli-1 proto-oncogene, ETS transcription factor; plus strand). Cytogenetic location: 11q24.3.
Variant type: single nucleotide variant.
Coding change: c.785C>A on transcript NM_002017.5 (MANE Select); coding-DNA position 785, C replaced by A.
Protein change: p.Pro262Gln; replaces proline 262 with glutamine.
Molecular consequence: missense variant.
Genome position (GRCh38, 1-based): chr11:128,809,160, C>A. VCF-style: chr11-128809160-C-A. GRCh37 (hg19) VCF-style: chr11-128679055-C-A.
Other names: c.686C>A, p.Pro229Gln (NM_001167681.3); c.587C>A, p.Pro196Gln (NM_001271010.2); c.206C>A, p.Pro69Gln (NM_001271012.2); short protein forms P262Q, P69Q, P196Q, P229Q.
Identifiers: ClinVar variation 3659364 (VCV003659364.2).